The following is an entry in ClinVar:

ClinVar aggregate classification (germline): Pathogenic. Review status: criteria provided, multiple submitters, no conflicts (2 of 4 stars). 2 submissions from 2 submitters: Pathogenic (2). Last evaluated 2025-12-23.

Conditions:
Distal myopathy with posterior leg and anterior hand involvement. Also called: WILLIAMS DISTAL MYOPATHY. Identifiers: Orphanet 63273, MedGen C3279722, MONDO:0013550, OMIM 614065.
Myofibrillar myopathy 5. Also called: Filaminopathy (type); FILAMINOPATHY, AUTOSOMAL DOMINANT. Identifiers: Orphanet 171445, MedGen C1836050, MONDO:0012289, OMIM 609524.
Hypertrophic cardiomyopathy 26. Also called: Cardiomyopathy, familial hypertrophic, 26. Identifiers: Orphanet 75249, MedGen C4310749, MONDO:0014883, OMIM 617047.
Cardiovascular phenotype. Identifiers: MedGen CN230736.

Submissions (2):

Ambry Genetics
Classification: Pathogenic for Cardiovascular phenotype. Last evaluated: 2025-12-23. Review status: criteria provided, single submitter. Criteria: Ambry Variant Classification Scheme 2023. Collection method: clinical testing. Allele origin: germline.
Comment: The c.5044dupG variant, located in coding exon 30 of the FLNC gene, results from a duplication of G at nucleotide position 5044, causing a translational frameshift with a predicted alternate stop codon (p.V1682Gfs*15). This variant is considered to be rare based on population cohorts in the Genome Aggregation Database (gnomAD). This alteration is expected to result in loss of function by premature protein truncation or nonsense-mediated mRNA decay. As such, this alteration is interpreted as a disease-causing mutation for autosomal dominant dilated cardiomyopathy; however, its clinical significance for autosomal dominant hypertrophic/restrictive cardiomyopathy and/or skeletal myopathy is uncertain.

Labcorp Genetics (formerly Invitae), Labcorp
Classification: Pathogenic for Distal myopathy with posterior leg and anterior hand involvement; Myofibrillar myopathy 5; Hypertrophic cardiomyopathy 26. Last evaluated: 2025-08-04. Review status: criteria provided, single submitter. Criteria: Invitae Variant Classification Sherloc (09022015). Collection method: clinical testing. Allele origin: germline.
Comment: This sequence change creates a premature translational stop signal (p.Val1682Glyfs*15) in the FLNC gene. It is expected to result in an absent or disrupted protein product. Loss-of-function variants in FLNC are known to be pathogenic (PMID: 27908349). This variant is not present in population databases (gnomAD no frequency). This variant has not been reported in the literature in individuals affected with FLNC-related conditions. ClinVar contains an entry for this variant (Variation ID: 3750981). Algorithms developed to predict the effect of sequence changes on RNA splicing suggest that this variant may create or strengthen a splice site. For these reasons, this variant has been classified as Pathogenic.

Literature cited by the submitters: PubMed 27908349 (cited by Labcorp Genetics (formerly Invitae), Labcorp).

NM_001458.5(FLNC):c.5044dup (p.Val1682fs)

Gene: FLNC (filamin C; plus strand). Cytogenetic location: 7q32.1.
Variant type: Duplication.
Coding change: c.5044dup on transcript NM_001458.5 (MANE Select); coding-DNA position 5044, one base duplicated (G; older notation c.5044dupG).
Protein change: p.Val1682fs; shifts the reading frame from valine 1682.
Molecular consequence: frameshift variant.
Genome position (GRCh38, 1-based): chr7:128,849,423, G duplicated; the last of 2 consecutive G bases (chr7:128,849,422-128,849,423); duplicating either gives the same sequence. VCF-style (leftmost placement, unchanged base first): chr7-128849421-C-CG. GRCh37 (hg19) VCF-style: chr7-128489475-C-CG.
Other names: c.5044dupG (NM_001458.4); c.5044dup, p.Val1682fs (NM_001127487.2); short protein forms V1682fs.
Identifiers: ClinVar variation 3750981 (VCV003750981.3).
Genomic context (GRCh38, chr7:128,849,421, plus strand): 5'-GGCAGGAGACGGTGATCACGGTGGATGCCAAGGCAGCCGGTGAGGGGAAGGTGACATGCA[C>CG]GGTGTCCACGCCGGATGGGGCAGAGCTCGATGTGGATGTGGTTGAGAACCATGACGGTAC-3'